The following is an entry in ClinVar:

NM_004204.5(PIGQ):c.942+92A>C

Gene: PIGQ (phosphatidylinositol glycan anchor biosynthesis class Q; plus strand). Cytogenetic location: 16p13.3.
Variant type: single nucleotide variant.
Coding change: c.942+92A>C on transcript NM_004204.5 (MANE Select); 92 bases into the intron after coding-DNA position 942, A replaced by C.
Molecular consequence: intron variant.
Genome position (GRCh38, 1-based): chr16:576,346, A>C. VCF-style: chr16-576346-A-C. GRCh37 (hg19) VCF-style: chr16-626346-A-C.
Other names: c.942+92A>C (NM_148920.4).
Identifiers: ClinVar variation 1185511 (VCV001185511.7), dbSNP rs2071980, ClinGen allele CA14235606.

ClinVar aggregate classification (germline): Benign. Review status: criteria provided, multiple submitters, no conflicts (2 of 4 stars). 4 submissions from 4 submitters: Benign (4). Last evaluated 2024-07-15.

Conditions:
Developmental and epileptic encephalopathy, 77. Also called: MULTIPLE CONGENITAL ANOMALIES-HYPOTONIA-SEIZURES SYNDROME 4; GLYCOSYLPHOSPHATIDYLINOSITOL BIOSYNTHESIS DEFECT 19; EPILEPTIC ENCEPHALOPATHY, EARLY INFANTILE, 77. Identifiers: MedGen C5231405, MONDO:0032808, OMIM 618548.

Allele frequency attached by ClinVar (database versions not stated): TOPMed 0.45479; 1000 Genomes Project 30x 0.53139; 1000 Genomes Project 0.53395.

Submissions (4):

Unidad de Genómica Garrahan, Hospital de Pediatría Garrahan
Classification: Benign. Last evaluated: 2024-07-15. Review status: criteria provided, single submitter. Criteria: ACMG Guidelines, 2015. Collection method: clinical testing. Allele origin: germline. Affected: no. Observed: 66 variant alleles.
Comment: This variant is classified as Benign based on local population frequency. This variant was detected in 71% of patients studied in a panel designed for Epileptic and Developmental Encephalopathy and Progressive Myoclonus Epilepsy. Number of patients: 66. Only high quality variants are reported.

Genome-Nilou Lab
Classification: Benign for Developmental and epileptic encephalopathy, 77. Last evaluated: 2021-07-14. Review status: criteria provided, single submitter. Criteria: ACMG Guidelines, 2015. Collection method: clinical testing. Allele origin: germline. Affected: no.

GeneDx
Classification: Benign. Last evaluated: 2021-05-14. Review status: criteria provided, single submitter. Criteria: GeneDx Variant Classification Process June 2021. Collection method: clinical testing. Allele origin: germline. Affected: yes.

Breakthrough Genomics
Classification: Benign. Review status: criteria provided, single submitter. Criteria: ACMG Guidelines, 2015. Collection method: not provided. Allele origin: germline. Inheritance: Autosomal recessive inheritance. Affected: yes.